The following is an entry in ClinVar:

NM_006231.4(POLE):c.5225C>G (p.Ser1742Cys)

Gene: POLE (DNA polymerase epsilon, catalytic subunit; minus strand). Cytogenetic location: 12q24.33.
Variant type: single nucleotide variant.
Coding change: c.5225C>G on transcript NM_006231.4 (MANE Select); coding-DNA position 5225, C replaced by G.
Protein change: p.Ser1742Cys; replaces serine 1742 with cysteine.
Molecular consequence: missense variant.
Genome position (GRCh38, 1-based): chr12:132,641,800, G>C on the plus strand (C>G on the coding strand, the complement: POLE is on the minus strand). VCF-style: chr12-132641800-G-C. GRCh37 (hg19) VCF-style: chr12-133218386-G-C.
Other names: short protein forms S1742C.
Identifiers: ClinVar variation 1717554 (VCV001717554.8), dbSNP rs2541881480, ClinGen allele CA387376397.

ClinVar aggregate classification (germline): Uncertain significance. Review status: criteria provided, multiple submitters, no conflicts (2 of 4 stars). 2 submissions from 2 submitters: Uncertain significance (2). Last evaluated 2022-08-22.

Conditions:
Hereditary cancer-predisposing syndrome. Also called: Hereditary neoplastic syndrome; Neoplastic Syndromes, Hereditary; Hereditary Cancer Syndrome; Tumor predisposition. Identifiers: Orphanet 140162, MedGen C0027672, MeSH D009386, MONDO:0015356.

Submissions (2):

Labcorp Genetics (formerly Invitae), Labcorp
Classification: Uncertain significance. Last evaluated: 2022-08-22. Review status: criteria provided, single submitter. Criteria: Invitae Variant Classification Sherloc (09022015). Collection method: clinical testing. Allele origin: germline.
Comment: This sequence change replaces serine, which is neutral and polar, with cysteine, which is neutral and slightly polar, at codon 1742 of the POLE protein (p.Ser1742Cys). This variant is not present in population databases (gnomAD no frequency). This variant has not been reported in the literature in individuals affected with POLE-related conditions. Algorithms developed to predict the effect of missense changes on protein structure and function are either unavailable or do not agree on the potential impact of this missense change (SIFT: "Deleterious"; PolyPhen-2: "Probably Damaging"; Align-GVGD: "Class C15"). In summary, the available evidence is currently insufficient to determine the role of this variant in disease. Therefore, it has been classified as a Variant of Uncertain Significance.

Ambry Genetics
Classification: Uncertain significance for Hereditary cancer-predisposing syndrome. Last evaluated: 2022-07-29. Review status: criteria provided, single submitter. Criteria: Ambry Variant Classification Scheme 2023. Collection method: clinical testing. Allele origin: germline.
Comment: The p.S1742C variant (also known as c.5225C>G), located in coding exon 39 of the POLE gene, results from a C to G substitution at nucleotide position 5225. The serine at codon 1742 is replaced by cysteine, an amino acid with dissimilar properties. This amino acid position is conserved. In addition, the in silico prediction for this alteration is inconclusive. Since supporting evidence is limited at this time, the clinical significance of this alteration remains unclear.